The following is an entry in ClinVar:

ClinVar aggregate classification (germline): Likely benign (0 of 4 stars; one submission).

Conditions:
NDUFV3-related disorder. Also called: NDUFV3-related condition.

gnomAD v4.1: 11 of 1,614,012 alleles (0.00068%); highest among the groups gnomAD compares: East Asian, 0.0045%; no homozygotes.

Submission:

PreventionGenetics, part of Exact Sciences
Classification: Likely benign for NDUFV3-related condition. Last evaluated: 2019-02-18. Review status: no assertion criteria provided. Collection method: clinical testing. Allele origin: germline.
Comment: This variant is classified as likely benign based on ACMG/AMP sequence variant interpretation guidelines (Richards et al. 2015 PMID: 25741868, with internal and published modifications).

NM_021075.4(NDUFV3):c.210C>T (p.Thr70=)

Gene: NDUFV3 (NADH:ubiquinone oxidoreductase subunit V3; plus strand). Cytogenetic location: 21q22.3.
Variant type: single nucleotide variant.
Coding change: c.210C>T on transcript NM_021075.4 (MANE Select); coding-DNA position 210, C replaced by T.
Protein change: p.Thr70=; no amino-acid change (threonine 70 retained).
Molecular consequence: synonymous variant. On other transcripts: intron variant (1).
Genome position (GRCh38, 1-based): chr21:42,903,222, C>T. VCF-style: chr21-42903222-C-T. GRCh37 (hg19) VCF-style: chr21-44323332-C-T.
Other names: c.170-5642C>T (NM_001001503.2).
Identifiers: ClinVar variation 3046290 (VCV003046290.2), dbSNP rs773038757, ClinGen allele CA321649978.
Genomic context (GRCh38, chr21:42,903,222, plus strand): 5'-CTCTTTATGCCGTTTCCCAGATGTAGTGGAACCAAAGGAGAGGGGCAAGCTCCTAGCCAC[C>T]CAGACAGCAGCTGAATTGTCTAAAAACTTATCTTCACCCAGTTCTTACCCGCCAGCTGTG-3'
Protein context (NP_066553.3, residues 60-80): EPKERGKLLA[Thr70=]QTAAELSKNL